The following is an entry in ClinVar:

NM_032444.4(SLX4):c.3812C>T (p.Ser1271Phe)

Gene: SLX4 (SLX4 structure-specific endonuclease subunit; minus strand). Cytogenetic location: 16p13.3.
Variant type: single nucleotide variant.
Coding change: c.3812C>T on transcript NM_032444.4 (MANE Select); coding-DNA position 3812, C replaced by T.
Protein change: p.Ser1271Phe; replaces serine 1271 with phenylalanine.
Molecular consequence: missense variant.
Genome position (GRCh38, 1-based): chr16:3,589,826, G>A on the plus strand (C>T on the coding strand, the complement: SLX4 is on the minus strand). VCF-style: chr16-3589826-G-A. GRCh37 (hg19) VCF-style: chr16-3639827-G-A.
Other names: c.3812C>T (LRG_503t1, NM_032444.3); short protein forms S1271F.
Identifiers: ClinVar variation 262050 (VCV000262050.32), dbSNP rs3810813, ClinGen allele CA7865824.

ClinVar aggregate classification (germline): Benign/Likely benign. Review status: criteria provided, multiple submitters, no conflicts (2 of 4 stars). 10 submissions from 10 submitters: Benign (8); Likely benign (1). 1 of the submissions does not count toward it. Last evaluated 2026-02-03.

Conditions:
Fanconi anemia (FA). Also called: Fanconi's anemia. Identifiers: Orphanet 84, MedGen C0015625, MeSH D005199, MONDO:0019391.
Fanconi anemia complementation group P. Also called: SLX4-Related Fanconi Anemia. Identifiers: Orphanet 84, MedGen C3469542, MONDO:0013499, OMIM 613951.

Allele frequency attached by ClinVar (database versions not stated): ESP Exome Variant Server 0.04056; gnomAD 0.04718 and 0.04991; TOPMed 0.04910; 1000 Genomes Project 30x 0.05746; gnomAD exomes 0.06069 and 0.06616; 1000 Genomes Project 0.06290; ExAC 0.06416.

Submissions (10):

Labcorp Genetics (formerly Invitae), Labcorp
Classification: Benign for Fanconi anemia. Last evaluated: 2026-02-03. Review status: criteria provided, single submitter. Criteria: Invitae Variant Classification Sherloc (09022015). Collection method: clinical testing. Allele origin: germline.

Mayo Clinic Laboratories, Mayo Clinic
Classification: Benign. Last evaluated: 2025-08-01. Review status: criteria provided, single submitter. Criteria: ACMG Guidelines, 2015. Collection method: clinical testing. Allele origin: germline. Observed: 5 variant alleles.

ARUP Laboratories, Molecular Genetics and Genomics, ARUP Laboratories
Classification: Benign for Fanconi anemia complementation group P. Last evaluated: 2025-07-14. Review status: criteria provided, single submitter. Criteria: ARUP Molecular Germline Variant Investigation Process 2024. Collection method: clinical testing. Allele origin: germline.

Blueprint Genetics
Classification: Likely benign. Last evaluated: 2024-11-27. Review status: criteria provided, single submitter. Criteria: ACMG Guidelines, 2015. Collection method: clinical testing. Allele origin: germline.

KCCC/NGS Laboratory, Kuwait Cancer Control Center
Classification: Benign for Fanconi anemia complementation group P. Last evaluated: 2023-07-07. Review status: criteria provided, single submitter. Criteria: ACMG Guidelines, 2015. Collection method: clinical testing. Allele origin: germline. Affected: yes.

GeneDx
Classification: Benign. Last evaluated: 2019-02-24. Review status: criteria provided, single submitter. Criteria: GeneDx Variant Classification Process June 2021. Collection method: clinical testing. Allele origin: germline. Affected: yes.

Illumina Laboratory Services, Illumina
Classification: Benign for Fanconi anemia complementation group P. Last evaluated: 2018-01-13. Review status: criteria provided, single submitter. Criteria: ICSL Variant Classification Criteria 13 December 2019. Collection method: clinical testing. Allele origin: germline.
Comment: This variant was observed in the ICSL laboratory as part of a predisposition screen in an ostensibly healthy population. It had not been previously curated by ICSL or reported in the Human Gene Mutation Database (HGMD: prior to June 1st, 2018), and was therefore a candidate for classification through an automated scoring system. Utilizing variant allele frequency, disease prevalence and penetrance estimates, and inheritance mode, an automated score was calculated to assess if this variant is too frequent to cause the disease. Based on the score and internal cut-off values, a variant classified as benign is not then subjected to further curation. The score for this variant resulted in a classification of benign for this disease.

Breakthrough Genomics
Classification: Benign. Review status: criteria provided, single submitter. Criteria: ACMG Guidelines, 2015. Collection method: not provided. Allele origin: germline. Inheritance: Autosomal recessive inheritance. Affected: yes.

PreventionGenetics, part of Exact Sciences
Classification: Benign. Review status: criteria provided, single submitter. Criteria: ACMG Guidelines, 2015. Collection method: clinical testing. Allele origin: germline.

Leiden Open Variation Database
Classification: Likely benign. Last evaluated: 2012-08-31. Review status: no assertion criteria provided. Collection method: curation. Allele origin: germline. Affected: yes. Not counted in ClinVar's aggregate classification.
Comment: Curator: Arleen D. Auerbach. Submitter to LOVD: Janine Bakker.

Literature cited by the submitters: PubMed 22911665 (cited by Leiden Open Variation Database).